The following is an entry in ClinVar:

ClinVar aggregate classification (germline): Uncertain significance (1 of 4 stars; one submission).

Conditions:
Catecholaminergic polymorphic ventricular tachycardia (CVPT). Also called: Catecholamine-induced polymorphic ventricular tachycardia. Identifiers: Orphanet 3286, MedGen C5574922, MONDO:0017990.

Submission:

All of Us Research Program, National Institutes of Health
Classification: Uncertain significance for Catecholaminergic polymorphic ventricular tachycardia. Last evaluated: 2024-02-05. Review status: criteria provided, single submitter. Criteria: ACMG Guidelines, 2015. Collection method: clinical testing. Allele origin: germline. Inheritance: Autosomal dominant inheritance. Observed: 1 variant allele, 1 heterozygote.
Comment: This missense variant replaces valine with isoleucine at codon 4854 of the RYR2 protein. Computational prediction is inconclusive regarding the impact of this variant on protein structure and function (internally defined REVEL score threshold 0.5 < inconclusive < 0.7, PMID: 27666373). To our knowledge, functional studies have not been reported for this variant. This variant has not been reported in individuals affected with RYR2-related disorders in the literature. This variant has not been identified in the general population by the Genome Aggregation Database (gnomAD). The available evidence is insufficient to determine the role of this variant in disease conclusively. Therefore, this variant is classified as a Variant of Uncertain Significance.

This study involves interpretation of variants in research participants for the purpose of population health screening. Participant phenotype was not available at the time of variant classification. Additional details can be found in publication PMID: 35346344, PMCID: PMC8962531

NM_001035.3(RYR2):c.14560G>A (p.Val4854Ile)

Gene: RYR2 (ryanodine receptor 2; plus strand). Cytogenetic location: 1q43.
Variant type: single nucleotide variant.
Coding change: c.14560G>A on transcript NM_001035.3 (MANE Select); coding-DNA position 14560, G replaced by A.
Protein change: p.Val4854Ile; replaces valine 4854 with isoleucine.
Molecular consequence: missense variant.
Genome position (GRCh38, 1-based): chr1:237,819,162, G>A. VCF-style: chr1-237819162-G-A. GRCh37 (hg19) VCF-style: chr1-237982462-G-A.
Other names: short protein forms V4854I.
Identifiers: ClinVar variation 3075447 (VCV003075447.1), dbSNP rs2528297120, ClinGen allele CA345426639.